The following is an entry in ClinVar:

ClinVar aggregate classification (germline): Likely pathogenic (1 of 4 stars; one submission).

Conditions:
Dyskeratosis congenita, autosomal recessive 5 (DKCB5). Identifiers: MedGen C3554656, MONDO:0014076, OMIM 615190.

Submission:

Myriad Genetics, Inc.
Classification: Likely pathogenic for Dyskeratosis congenita, autosomal recessive 5. Last evaluated: 2026-01-06. Review status: criteria provided, single submitter. Criteria: Myriad Autosomal Dominant, Autosomal Recessive and X-Linked Classification Criteria (2023). Collection method: clinical testing. Allele origin: unknown.
Comment: NM_001283009.1(RTEL1):c.396-2delAinsGTGTG is a variant in a canonical splice site classified as likely pathogenic in the context of RTEL1-related disorders. c.396-2delAinsGTGTG has not been observed in cases with relevant disease. Relevant functional assessments of this variant are not available in the literature. c.396-2delAinsGTGTG has not been observed in referenced population frequency databases. In summary, NM_001283009.1(RTEL1):c.396-2delAinsGTGTG is a variant in a canonical splice site in a gene where loss of function is a known mechanism of disease and is predicted to disrupt protein function. Please note: this variant was assessed in the context of healthy population screening.

NM_001283009.2(RTEL1):c.396-2delinsGTGTG

Genes: RTEL1 (regulator of telomere elongation helicase 1; plus strand), RTEL1-TNFRSF6B (RTEL1-TNFRSF6B readthrough (NMD candidate); plus strand). Cytogenetic location: 20q13.33.
Variant type: Indel.
Coding change: c.396-2delinsGTGTG on transcript NM_001283009.2 (MANE Select); the canonical splice acceptor site of the intron before coding-DNA position 396, A replaced by GTGTG.
Molecular consequence: splice acceptor variant. On other transcripts: frameshift variant (1).
Genome position (GRCh38, 1-based): chr20:63,662,544, A replaced by GTGTG. VCF-style: chr20-63662544-A-GTGTG. GRCh37 (hg19) VCF-style: chr20-62293897-A-GTGTG.
Other names: c.466delinsGTGTG, p.Arg156fs (NM_032957.5); c.-274-2delinsGTGTG (NM_001283010.1); c.396-2delinsGTGTG (NM_016434.4); short protein forms R156fs.
Identifiers: ClinVar variation 5004368 (VCV005004368.1).
Genomic context (GRCh38, chr20:63,662,544, plus strand): 5'-AGGGCCACGCTGTGGGTGTTGGAGACAGCTCCTCCTCGACCCACGGTGCTCTCTCCCACC[A>GTGTG]GGCCTAAGGTGTGTGTGCTGGGCTCCCGGGAGCAGCTGTGCATCCATCCTGAGGTGAAGA-3'